The following is an entry in ClinVar:

ClinVar aggregate classification (germline): Benign/Likely benign. Review status: criteria provided, multiple submitters, no conflicts (2 of 4 stars). 4 submissions from 4 submitters: Benign (1); Likely benign (3). Last evaluated 2025-11-05.

Conditions:
Hereditary cancer-predisposing syndrome. Also called: Hereditary Cancer Syndrome; Hereditary neoplastic syndrome; Neoplastic Syndromes, Hereditary; Tumor predisposition. Identifiers: Orphanet 140162, MedGen C0027672, MeSH D009386, MONDO:0015356.
Oligodontia-cancer predisposition syndrome. Also called: TOOTH AGENESIS-COLORECTAL CANCER SYNDROME. Identifiers: Orphanet 300576, MedGen C1837750, MONDO:0012075, OMIM 608615. Disease mechanism: loss of function.

Allele frequency attached by ClinVar (database versions not stated): gnomAD 0.00001 and 0.00003; gnomAD exomes 0.00001 and 0.00002; TOPMed 0.00001; ExAC 0.00003; 1000 Genomes Project 0.00040; 1000 Genomes Project 30x 0.00047.
gnomAD v4.1: 21 of 1,601,152 alleles (0.0013%); highest among the groups gnomAD compares: East Asian, 0.0045%; no homozygotes.

Submissions (4):

Labcorp Genetics (formerly Invitae), Labcorp
Classification: Likely benign for Oligodontia-cancer predisposition syndrome. Last evaluated: 2025-11-05. Review status: criteria provided, single submitter. Criteria: Invitae Variant Classification Sherloc (09022015). Collection method: clinical testing. Allele origin: germline.

Myriad Genetics, Inc.
Classification: Benign for Oligodontia-cancer predisposition syndrome. Last evaluated: 2024-06-27. Review status: criteria provided, single submitter. Criteria: Myriad Autosomal Dominant, Autosomal Recessive and X-Linked Classification Criteria (2023). Collection method: clinical testing. Allele origin: unknown.
Comment: This variant is considered benign. This variant is a silent/synonymous amino acid change and it is not expected to impact splicing.

Ambry Genetics
Classification: Likely benign for Hereditary cancer-predisposing syndrome. Last evaluated: 2020-06-18. Review status: criteria provided, single submitter. Criteria: Ambry Variant Classification Scheme 2023. Collection method: clinical testing. Allele origin: germline.

GeneDx
Classification: Likely benign. Last evaluated: 2018-09-24. Review status: criteria provided, single submitter. Criteria: GeneDx Variant Classification Process June 2021. Collection method: clinical testing. Allele origin: germline. Affected: yes.

NM_004655.4(AXIN2):c.831C>T (p.Ser277=)

Gene: AXIN2 (axin 2; minus strand). Cytogenetic location: 17q24.1.
Variant type: single nucleotide variant.
Coding change: c.831C>T on transcript NM_004655.4 (MANE Select); coding-DNA position 831, C replaced by T.
Protein change: p.Ser277=; no amino-acid change (serine 277 retained).
Molecular consequence: synonymous variant.
Genome position (GRCh38, 1-based): chr17:65,549,645, G>A on the plus strand (C>T on the coding strand, the complement: AXIN2 is on the minus strand). VCF-style: chr17-65549645-G-A. GRCh37 (hg19) VCF-style: chr17-63545763-G-A.
Other names: c.831C>T, p.Ser277= (NM_001363813.1); c.831C>T (LRG_296t1).
Identifiers: ClinVar variation 388086 (VCV000388086.17), dbSNP rs186951572, ClinGen allele CA8718965.